The following is an entry in ClinVar:

ClinVar aggregate classification (germline): Uncertain significance (0 of 4 stars; one submission).

Submission:

Richard Lifton Laboratory, Yale University School of Medicine
Classification: Uncertain significance. Review status: no assertion criteria provided. Collection method: not provided. Allele origin: somatic.
Comment: RAE1
ClinVar note: Converted during submission from unknown to Uncertain significance.

NM_003610.4(RAE1):c.408C>G (p.Ile136Met)

Gene: RAE1 (ribonucleic acid export 1; plus strand). Cytogenetic location: 20q13.31.
Variant type: single nucleotide variant.
Coding change: c.408C>G on transcript NM_003610.4 (MANE Select); coding-DNA position 408, C replaced by G.
Protein change: p.Ile136Met; replaces isoleucine 136 with methionine.
Molecular consequence: missense variant.
Genome position (GRCh38, 1-based): chr20:57,366,839, C>G. VCF-style: chr20-57366839-C-G. GRCh37 (hg19) VCF-style: chr20-55941895-C-G.
Other names: c.408C>G, p.Ile136Met (NM_001015885.2); short protein forms I136M.
Identifiers: ClinVar variation 91952 (VCV000091952.2), dbSNP rs386352355, ClinGen allele CA232229.